The following is an entry in ClinVar:

ClinVar aggregate classification (germline): Likely pathogenic. Review status: criteria provided, multiple submitters, no conflicts (2 of 4 stars). 2 submissions from 2 submitters: Likely pathogenic (2). Last evaluated 2024-05-07.

Conditions:
Usher syndrome type 2C. Also called: Usher syndrome, type 2B; USHER SYNDROME, TYPE IIC. Identifiers: Orphanet 231178, Orphanet 886, MedGen C2931213, MONDO:0011558, OMIM 605472.
Febrile seizures, familial, 4 (FEB4). Also called: CONVULSIONS, FAMILIAL FEBRILE, 4. Identifiers: MedGen C1858493, MONDO:0011443, OMIM 604352.

gnomAD v4.1: 3 of 1,578,320 alleles (0.00019%); highest among the groups gnomAD compares: East Asian, 0.0067%; no homozygotes.

Submissions (3):

Fulgent Genetics
Classification: Likely pathogenic for Febrile seizures, familial, 4; Usher syndrome type 2C. Last evaluated: 2024-05-07. Review status: criteria provided, single submitter. Criteria: ACMG Guidelines, 2015. Collection method: clinical testing. Allele origin: germline.

Labcorp Genetics (formerly Invitae), Labcorp
Classification: Likely pathogenic. Last evaluated: 2024-04-25. Review status: criteria provided, single submitter. Criteria: Invitae Variant Classification Sherloc (09022015). Collection method: clinical testing. Allele origin: germline.
Comment: This sequence change affects an acceptor splice site in intron 10 of the ADGRV1 gene. It is expected to disrupt RNA splicing. Variants that disrupt the donor or acceptor splice site typically lead to a loss of protein function (PMID: 16199547), and loss-of-function variants in ADGRV1 are known to be pathogenic (PMID: 19357117, 22135276, 22147658, 26226137, 30718709, 31047384, 32467589). This variant is not present in population databases (gnomAD no frequency). This variant has not been reported in the literature in individuals affected with ADGRV1-related conditions. Algorithms developed to predict the effect of sequence changes on RNA splicing suggest that this variant may disrupt the consensus splice site. In summary, the currently available evidence indicates that the variant is pathogenic, but additional data are needed to prove that conclusively. Therefore, this variant has been classified as Likely Pathogenic.

Dr. Peter K. Rogan Lab, Western University
No classification provided (evidence only). Condition: Squamous cell lung carcinoma. Review status: no classification provided. Collection method: in vitro. Allele origin: not applicable. Functional consequence: retained intron. Not counted in ClinVar's aggregate classification.

Literature cited by the submitters: PubMed 16199547 (cited by Labcorp Genetics (formerly Invitae), Labcorp); PubMed 19357117 (cited by Labcorp Genetics (formerly Invitae), Labcorp); PubMed 22135276 (cited by Labcorp Genetics (formerly Invitae), Labcorp); PubMed 22147658 (cited by Labcorp Genetics (formerly Invitae), Labcorp); PubMed 26226137 (cited by Labcorp Genetics (formerly Invitae), Labcorp); PubMed 30718709 (cited by Labcorp Genetics (formerly Invitae), Labcorp); PubMed 31047384 (cited by Labcorp Genetics (formerly Invitae), Labcorp); PubMed 32467589 (cited by Labcorp Genetics (formerly Invitae), Labcorp).

NM_032119.4(ADGRV1):c.2017-1G>A

Gene: ADGRV1 (adhesion G protein-coupled receptor V1; plus strand). Cytogenetic location: 5q14.3.
Variant type: single nucleotide variant.
Coding change: c.2017-1G>A on transcript NM_032119.4 (MANE Select); the canonical splice acceptor site of the intron before coding-DNA position 2017, G replaced by A.
Molecular consequence: splice acceptor variant.
Genome position (GRCh38, 1-based): chr5:90,637,724, G>A. VCF-style: chr5-90637724-G-A. GRCh37 (hg19) VCF-style: chr5-89933541-G-A.
Identifiers: ClinVar variation 3592820 (VCV003592820.4).